The following is an entry in ClinVar:

NM_006080.3(SEMA3A):c.1474A>C (p.Met492Leu)

Gene: SEMA3A (semaphorin 3A; minus strand). Cytogenetic location: 7q21.11.
Variant type: single nucleotide variant.
Coding change: c.1474A>C on transcript NM_006080.3 (MANE Select); coding-DNA position 1474, A replaced by C.
Protein change: p.Met492Leu; replaces methionine 492 with leucine.
Molecular consequence: missense variant.
Genome position (GRCh38, 1-based): chr7:83,985,456, T>G on the plus strand (A>C on the coding strand, the complement: SEMA3A is on the minus strand). VCF-style: chr7-83985456-T-G. GRCh37 (hg19) VCF-style: chr7-83614772-T-G.
Other names: short protein forms M492L.
Identifiers: ClinVar variation 3357707 (VCV003357707.1).
Genomic context (GRCh38, chr7:83,985,456, plus strand): 5'-AAAATATTGGATATTCAATGGTAATACATAATGATAGTACCTGCTTAGTGGAAAGCTCCA[T>G]TGCTGAAATAGCAGTCGGTTCCTAAAGGAGAAAAAGAAATATGTGAGGTGTTTGGTCAAT-3'
Protein context (NP_006071.1, residues 482-502): VFREPTAISA[Met492Leu]ELSTKQQQLY

ClinVar aggregate classification (germline): Uncertain significance (0 of 4 stars; one submission).

Conditions:
SEMA3A-related disorder. Also called: SEMA3A-related condition.

gnomAD v4.1: 1 of 1,611,218 alleles (0.000062%); highest among the groups gnomAD compares: Admixed American, 0.0017%; no homozygotes.

Submission:

PreventionGenetics, part of Exact Sciences
Classification: Uncertain significance for SEMA3A-related condition. Last evaluated: 2024-06-11. Review status: no assertion criteria provided. Collection method: clinical testing. Allele origin: germline.
Comment: The SEMA3A c.1474A>C variant is predicted to result in the amino acid substitution p.Met492Leu. To our knowledge, this variant has not been reported in the literature or in a large population database, indicating this variant is rare. At this time, the clinical significance of this variant is uncertain due to the absence of conclusive functional and genetic evidence.